The following is an entry in ClinVar:

ClinVar aggregate classification (germline): Uncertain significance (1 of 4 stars; one submission).

Submission:

GeneDx
Classification: Uncertain significance. Last evaluated: 2024-11-24. Review status: criteria provided, single submitter. Criteria: GeneDx Variant Classification Process June 2021. Collection method: clinical testing. Allele origin: germline. Affected: yes.
Comment: Not observed at significant frequency in large population cohorts (gnomAD); In silico analysis indicates that this missense variant does not alter protein structure/function; Has not been previously published as pathogenic or benign to our knowledge.

NM_001348716.2(KDM6B):c.2563C>G (p.Pro855Ala)

Gene: KDM6B (lysine demethylase 6B; plus strand). Cytogenetic location: 17p13.1.
Variant type: single nucleotide variant.
Coding change: c.2563C>G on transcript NM_001348716.2 (MANE Select); coding-DNA position 2563, C replaced by G.
Protein change: p.Pro855Ala; replaces proline 855 with alanine.
Molecular consequence: missense variant.
Genome position (GRCh38, 1-based): chr17:7,848,851, C>G. VCF-style: chr17-7848851-C-G. GRCh37 (hg19) VCF-style: chr17-7752169-C-G.
Other names: c.2563C>G, p.Pro855Ala (NM_001080424.2); short protein forms P855A.
Identifiers: ClinVar variation 3900247 (VCV003900247.1).